The following is an entry in ClinVar:

ClinVar aggregate classification (germline): Uncertain significance (1 of 4 stars; one submission).

Conditions:
Combined immunodeficiency with skin granulomas. Identifiers: Orphanet 157949, MedGen C2673536, MONDO:0009306, OMIM 233650.
Severe combined immunodeficiency, autosomal recessive, T cell-negative, B cell-negative, NK cell-positive. Also called: SCID, AR, T-cell negative, B-cell negative, NK cell-positive; Severe combined immunodeficiency due to complete RAG1/2 deficiency; SCID, T CELL-NEGATIVE, B CELL-NEGATIVE, NK CELL-POSITIVE. Identifiers: Orphanet 331206, MedGen C1832322, MONDO:0011086, OMIM 601457.

Submission:

Labcorp Genetics (formerly Invitae), Labcorp
Classification: Uncertain significance for Combined immunodeficiency with skin granulomas; Severe combined immunodeficiency, autosomal recessive, T cell-negative, B cell-negative, NK cell-positive. Last evaluated: 2020-08-25. Review status: criteria provided, single submitter. Criteria: Invitae Variant Classification Sherloc (09022015). Collection method: clinical testing. Allele origin: germline.
Comment: Algorithms developed to predict the effect of missense changes on protein structure and function are either unavailable or do not agree on the potential impact of this missense change (SIFT: "Deleterious"; PolyPhen-2: "Probably Damaging"; Align-GVGD: "Class C0"). In summary, the available evidence is currently insufficient to determine the role of this variant in disease. Therefore, it has been classified as a Variant of Uncertain Significance. This variant has not been reported in the literature in individuals with RAG2-related conditions. This variant is not present in population databases (ExAC no frequency). This sequence change replaces proline with leucine at codon 42 of the RAG2 protein (p.Pro42Leu). The proline residue is highly conserved and there is a moderate physicochemical difference between proline and leucine.

NM_000536.4(RAG2):c.125C>T (p.Pro42Leu)

Gene: RAG2 (recombination activating 2; minus strand). Cytogenetic location: 11p12.
Variant type: single nucleotide variant.
Coding change: c.125C>T on transcript NM_000536.4 (MANE Select); coding-DNA position 125, C replaced by T.
Protein change: p.Pro42Leu; replaces proline 42 with leucine.
Molecular consequence: missense variant.
Genome position (GRCh38, 1-based): chr11:36,594,044, G>A on the plus strand (C>T on the coding strand, the complement: RAG2 is on the minus strand). VCF-style: chr11-36594044-G-A. GRCh37 (hg19) VCF-style: chr11-36615594-G-A.
Other names: c.125C>T, p.Pro42Leu (NM_001243785.2, NM_001243786.2); short protein forms P42L.
Identifiers: ClinVar variation 1058324 (VCV001058324.9), dbSNP rs2133316235, ClinGen allele CA380144524.
Genomic context (GRCh38, chr11:36,594,044, plus strand): 5'-AAAATTGTAGGCTTCAGTTTGACATGGTTATGCTTTACATCCAGATGGAAAACTCCAGTG[G>A]GGCAGGATCTTTTGGGCCAGCCTTTTTGTCCAAAGAAGAAAACTTGTCCATCAAAATTCA-3'
Protein context (NP_000527.2, residues 32-52): GQKGWPKRSC[Pro42Leu]TGVFHLDVKH